The following is an entry in ClinVar:

NM_052963.3(TOP1MT):c.1234C>T (p.His412Tyr)

Gene: TOP1MT (DNA topoisomerase I mitochondrial; minus strand). Cytogenetic location: 8q24.3.
Variant type: single nucleotide variant.
Coding change: c.1234C>T on transcript NM_052963.3 (MANE Select); coding-DNA position 1234, C replaced by T.
Protein change: p.His412Tyr; replaces histidine 412 with tyrosine.
Molecular consequence: missense variant.
Genome position (GRCh38, 1-based): chr8:143,317,819, G>A on the plus strand (C>T on the coding strand, the complement: TOP1MT is on the minus strand). VCF-style: chr8-143317819-G-A. GRCh37 (hg19) VCF-style: chr8-144399989-G-A.
Other names: c.940C>T, p.His314Tyr (NM_001258446.1, NM_001258447.1); short protein forms H314Y, H412Y.
Identifiers: ClinVar variation 2343003 (VCV002343003.4), dbSNP rs765897576, ClinGen allele CA4908404.

ClinVar aggregate classification (germline): Uncertain significance. Review status: criteria provided, multiple submitters, no conflicts (2 of 4 stars). 2 submissions from 2 submitters: Uncertain significance (2). Last evaluated 2024-04-22.

Allele frequency attached by ClinVar (database versions not stated): gnomAD exomes below 0.00001; ExAC 0.00001.
gnomAD v4.1: 4 of 1,614,190 alleles (0.00025%); highest among the groups gnomAD compares: Non-Finnish European, 0.00025%; no homozygotes.

Submissions (2):

Labcorp Genetics (formerly Invitae), Labcorp
Classification: Uncertain significance. Last evaluated: 2024-04-22. Review status: criteria provided, single submitter. Criteria: Invitae Variant Classification Sherloc (09022015). Collection method: clinical testing. Allele origin: germline.
Comment: This sequence change replaces histidine, which is basic and polar, with tyrosine, which is neutral and polar, at codon 412 of the TOP1MT protein (p.His412Tyr). This variant is present in population databases (rs765897576, gnomAD 0.006%). This variant has not been reported in the literature in individuals affected with TOP1MT-related conditions. ClinVar contains an entry for this variant (Variation ID: 2343003). Advanced modeling of protein sequence and biophysical properties (such as structural, functional, and spatial information, amino acid conservation, physicochemical variation, residue mobility, and thermodynamic stability) performed at Invitae indicates that this missense variant is not expected to disrupt TOP1MT protein function with a negative predictive value of 80%. In summary, the available evidence is currently insufficient to determine the role of this variant in disease. Therefore, it has been classified as a Variant of Uncertain Significance.

Ambry Genetics
Classification: Uncertain significance. Last evaluated: 2021-12-02. Review status: criteria provided, single submitter. Criteria: Ambry Variant Classification Scheme 2023. Collection method: clinical testing. Allele origin: germline.